The following is an entry in ClinVar:

NM_147686.4(TRAF3IP2):c.1177A>G (p.Thr393Ala)

Genes: TRAF3IP2 (TRAF3 interacting protein 2; minus strand), TRAF3IP2-AS1 (TRAF3IP2 antisense RNA 1; plus strand). Cytogenetic location: 6q21.
Variant type: single nucleotide variant.
Coding change: c.1177A>G on transcript NM_147686.4 (MANE Select); coding-DNA position 1177, A replaced by G.
Protein change: p.Thr393Ala; replaces threonine 393 with alanine.
Molecular consequence: missense variant.
Genome position (GRCh38, 1-based): chr6:111,575,667, T>C on the plus strand (A>G on the coding strand, the complement: TRAF3IP2 is on the minus strand). VCF-style: chr6-111575667-T-C. GRCh37 (hg19) VCF-style: chr6-111896870-T-C.
Other names: c.1177A>G, p.Thr393Ala (NM_001164281.3); c.1204A>G, p.Thr402Ala (NM_147200.3); short protein forms T393A, T402A.
Identifiers: ClinVar variation 3669439 (VCV003669439.2).

ClinVar aggregate classification (germline): Uncertain significance (1 of 4 stars; one submission).

Conditions:
Candidiasis, familial, 8 (CANDF8). Identifiers: Orphanet 1334, MedGen C3714992, MONDO:0014230, OMIM 615527.

Submission:

Labcorp Genetics (formerly Invitae), Labcorp
Classification: Uncertain significance for Candidiasis, familial, 8. Last evaluated: 2024-06-04. Review status: criteria provided, single submitter. Criteria: Invitae Variant Classification Sherloc (09022015). Collection method: clinical testing. Allele origin: germline.
Comment: This sequence change replaces threonine, which is neutral and polar, with alanine, which is neutral and non-polar, at codon 393 of the TRAF3IP2 protein (p.Thr393Ala). This variant is not present in population databases (gnomAD no frequency). This variant has not been reported in the literature in individuals affected with TRAF3IP2-related conditions. Advanced modeling of protein sequence and biophysical properties (such as structural, functional, and spatial information, amino acid conservation, physicochemical variation, residue mobility, and thermodynamic stability) has been performed at Invitae for this missense variant, however the output from this modeling did not meet the statistical confidence thresholds required to predict the impact of this variant on TRAF3IP2 protein function. In summary, the available evidence is currently insufficient to determine the role of this variant in disease. Therefore, it has been classified as a Variant of Uncertain Significance.